The following is an entry in ClinVar:

NM_001164508.2(NEB):c.23346+13G>A

Genes: NEB (nebulin; minus strand), RIF1 (replication timing regulatory factor 1; plus strand). Cytogenetic location: 2q23.3.
Variant type: single nucleotide variant.
Coding change: c.23346+13G>A on transcript NM_001164508.2 (MANE Select); 13 bases into the intron after coding-DNA position 23346, G replaced by A.
Molecular consequence: intron variant.
Genome position (GRCh38, 1-based): chr2:151,512,720, C>T on the plus strand (G>A on the coding strand, the complement: NEB is on the minus strand). VCF-style: chr2-151512720-C-T. GRCh37 (hg19) VCF-style: chr2-152369234-C-T.
Other names: c.18243+13G>A (NM_004543.5); c.23346+13G>A (NM_001164507.2); c.23451+13G>A (NM_001271208.2).
Identifiers: ClinVar variation 511893 (VCV000511893.11), dbSNP rs564325749, ClinGen allele CA1906386.

ClinVar aggregate classification (germline): Benign/Likely benign. Review status: criteria provided, multiple submitters, no conflicts (2 of 4 stars). 4 submissions from 4 submitters: Benign (1); Likely benign (3). Last evaluated 2026-01-14.

Conditions:
Nemaline myopathy 2 (NEM2). Also called: Nemaline myopathy 2, autosomal recessive. Identifiers: MedGen C1850569, MONDO:0009725, OMIM 256030.

Allele frequency attached by ClinVar (database versions not stated): gnomAD 0.00005 and 0.00016; TOPMed 0.00006; gnomAD exomes 0.00033 and 0.00072; ExAC 0.00090; 1000 Genomes Project 0.00140; 1000 Genomes Project 30x 0.00141.
gnomAD v4.1: 503 of 1,588,726 alleles (0.032%); highest among the groups gnomAD compares: South Asian, 0.49%; 7 homozygotes.

Submissions (4):

Labcorp Genetics (formerly Invitae), Labcorp
Classification: Benign for Nemaline myopathy 2. Last evaluated: 2026-01-14. Review status: criteria provided, single submitter. Criteria: Invitae Variant Classification Sherloc (09022015). Collection method: clinical testing. Allele origin: germline.

Blueprint Genetics
Classification: Likely benign. Last evaluated: 2024-08-20. Review status: criteria provided, single submitter. Criteria: ACMG Guidelines, 2015. Collection method: clinical testing. Allele origin: germline.

GeneDx
Classification: Likely benign. Last evaluated: 2017-09-07. Review status: criteria provided, single submitter. Criteria: GeneDx Variant Classification (06012015). Collection method: clinical testing. Allele origin: germline. Affected: yes.
Comment: This variant is considered likely benign or benign based on one or more of the following criteria: it is a conservative change, it occurs at a poorly conserved position in the protein, it is predicted to be benign by multiple in silico algorithms, and/or has population frequency not consistent with disease.

Breakthrough Genomics
Classification: Likely benign. Review status: criteria provided, single submitter. Criteria: ACMG Guidelines, 2015. Collection method: not provided. Allele origin: germline. Inheritance: Autosomal recessive inheritance. Affected: yes.